The following is an entry in ClinVar:

NM_000059.4(BRCA2):c.3566A>C (p.Lys1189Thr)

Gene: BRCA2 (BRCA2 DNA repair associated; plus strand). Cytogenetic location: 13q13.1.
Variant type: single nucleotide variant.
Coding change: c.3566A>C on transcript NM_000059.4 (MANE Select); coding-DNA position 3566, A replaced by C.
Protein change: p.Lys1189Thr; replaces lysine 1189 with threonine.
Molecular consequence: missense variant.
Genome position (GRCh38, 1-based): chr13:32,337,921, A>C. VCF-style: chr13-32337921-A-C. GRCh37 (hg19) VCF-style: chr13-32912058-A-C.
Other names: short protein forms K1189T.
Identifiers: ClinVar variation 950833 (VCV000950833.13), dbSNP rs2072483773, ClinGen allele CA387777309.

ClinVar aggregate classification (germline): Conflicting classifications of pathogenicity. Review status: criteria provided, conflicting classifications (1 of 4 stars). 3 submissions from 3 submitters: Uncertain significance (2); Likely benign (1). Last evaluated 2023-03-23.

Conditions:
Hereditary breast ovarian cancer syndrome. Also called: Hereditary breast and ovarian cancer; Hereditary breast and/or ovarian cancer syndrome; Hereditary breast and ovarian cancer syndrome; Hereditary breast and ovarian cancer syndrome (HBOC); BRCA1- and BRCA2-Associated Hereditary Breast and Ovarian Cancer; Breast and ovarian cancer. Identifiers: Orphanet 145, MedGen C0677776, MeSH D061325, MONDO:0003582. Disease mechanism: loss of function.
Hereditary cancer-predisposing syndrome. Also called: Tumor predisposition; Hereditary neoplastic syndrome; Neoplastic Syndromes, Hereditary; Hereditary Cancer Syndrome. Identifiers: Orphanet 140162, MedGen C0027672, MeSH D009386, MONDO:0015356.

Submissions (3):

University of Washington Department of Laboratory Medicine, University of Washington
Classification: Likely benign for Hereditary cancer-predisposing syndrome. Last evaluated: 2023-03-23. Review status: criteria provided, single submitter. Criteria: Dines et al. (Genet Med. 2020). Collection method: curation. Allele origin: germline.
Comment: Missense variant in a coldspot region where missense variants are very unlikely to be pathogenic (PMID:31911673).

BRCA2 exon 11 coldspot. Reclassification based on statistical prior probability.

Labcorp Genetics (formerly Invitae), Labcorp
Classification: Uncertain significance for Hereditary breast ovarian cancer syndrome. Last evaluated: 2022-07-06. Review status: criteria provided, single submitter. Criteria: Invitae Variant Classification Sherloc (09022015). Collection method: clinical testing. Allele origin: germline.
Comment: In summary, the available evidence is currently insufficient to determine the role of this variant in disease. Therefore, it has been classified as a Variant of Uncertain Significance. Advanced modeling of protein sequence and biophysical properties (such as structural, functional, and spatial information, amino acid conservation, physicochemical variation, residue mobility, and thermodynamic stability) performed at Invitae indicates that this missense variant is not expected to disrupt BRCA2 protein function. ClinVar contains an entry for this variant (Variation ID: 950833). This variant has not been reported in the literature in individuals affected with BRCA2-related conditions. This variant is not present in population databases (gnomAD no frequency). This sequence change replaces lysine, which is basic and polar, with threonine, which is neutral and polar, at codon 1189 of the BRCA2 protein (p.Lys1189Thr).

Color Diagnostics, LLC DBA Color Health
Classification: Uncertain significance for Hereditary cancer-predisposing syndrome. Last evaluated: 2022-04-18. Review status: criteria provided, single submitter. Criteria: ACMG Guidelines, 2015. Collection method: clinical testing. Allele origin: germline.
Comment: This missense variant replaces lysine with threonine at codon 1189 of the BRCA2 protein. Computational prediction suggests that this variant may not impact protein structure and function (internally defined REVEL score threshold <= 0.5, PMID: 27666373). To our knowledge, functional studies have not been reported for this variant. This variant has not been reported in individuals affected with hereditary cancer in the literature. This variant has not been identified in the general population by the Genome Aggregation Database (gnomAD). The available evidence is insufficient to determine the role of this variant in disease conclusively. Therefore, this variant is classified as a Variant of Uncertain Significance.